The following is an entry in ClinVar:

ClinVar aggregate classification (germline): Pathogenic (1 of 4 stars; one submission).

Allele frequency attached by ClinVar (database versions not stated): TOPMed 0.00001.

Submission:

Labcorp Genetics (formerly Invitae), Labcorp
Classification: Pathogenic. Last evaluated: 2024-09-23. Review status: criteria provided, single submitter. Criteria: Invitae Variant Classification Sherloc (09022015). Collection method: clinical testing. Allele origin: germline.
Comment: This sequence change creates a premature translational stop signal (p.Tyr467*) in the USH2A gene. It is expected to result in an absent or disrupted protein product. Loss-of-function variants in USH2A are known to be pathogenic (PMID: 10729113, 10909849, 20507924, 25649381). This variant is not present in population databases (gnomAD no frequency). This variant has not been reported in the literature in individuals affected with USH2A-related conditions. ClinVar contains an entry for this variant (Variation ID: 1433304). Algorithms developed to predict the effect of sequence changes on RNA splicing suggest that this variant may disrupt the consensus splice site. For these reasons, this variant has been classified as Pathogenic.

Literature cited by the submitters: PubMed 10729113; PubMed 10909849; PubMed 20507924; PubMed 25649381.

NM_206933.4(USH2A):c.1401C>A (p.Tyr467Ter)

Gene: USH2A (usherin; minus strand). Cytogenetic location: 1q41.
Variant type: single nucleotide variant.
Coding change: c.1401C>A on transcript NM_206933.4 (MANE Select); coding-DNA position 1401, C replaced by A.
Protein change: p.Tyr467Ter; replaces tyrosine 467 with a stop codon.
Molecular consequence: nonsense.
Genome position (GRCh38, 1-based): chr1:216,323,623, G>T on the plus strand (C>A on the coding strand, the complement: USH2A is on the minus strand). VCF-style: chr1-216323623-G-T. GRCh37 (hg19) VCF-style: chr1-216496965-G-T.
Other names: c.1401C>A, p.Tyr467Ter (NM_007123.6); short protein forms Y467*.
Identifiers: ClinVar variation 1433304 (VCV001433304.6), dbSNP rs887496752, ClinGen allele CA37898186.